The following is an entry in ClinVar:

ClinVar aggregate classification (germline): Uncertain significance (1 of 4 stars; one submission).

Allele frequency attached by ClinVar (database versions not stated): gnomAD exomes below 0.00001; TOPMed below 0.00001; gnomAD 0.00001.

Submission:

Labcorp Genetics (formerly Invitae), Labcorp
Classification: Uncertain significance. Last evaluated: 2023-11-13. Review status: criteria provided, single submitter. Criteria: Invitae Variant Classification Sherloc (09022015). Collection method: clinical testing. Allele origin: germline.
Comment: This sequence change replaces phenylalanine, which is neutral and non-polar, with leucine, which is neutral and non-polar, at codon 227 of the LBR protein (p.Phe227Leu). This variant is present in population databases (no rsID available, gnomAD 0.007%). This variant has not been reported in the literature in individuals affected with LBR-related conditions. Advanced modeling of protein sequence and biophysical properties (such as structural, functional, and spatial information, amino acid conservation, physicochemical variation, residue mobility, and thermodynamic stability) performed at Invitae indicates that this missense variant is not expected to disrupt LBR protein function with a negative predictive value of 80%. In summary, the available evidence is currently insufficient to determine the role of this variant in disease. Therefore, it has been classified as a Variant of Uncertain Significance.

NM_002296.4(LBR):c.679T>C (p.Phe227Leu)

Gene: LBR (lamin B receptor; minus strand). Cytogenetic location: 1q42.12.
Variant type: single nucleotide variant.
Coding change: c.679T>C on transcript NM_002296.4 (MANE Select); coding-DNA position 679, T replaced by C.
Protein change: p.Phe227Leu; replaces phenylalanine 227 with leucine.
Molecular consequence: missense variant.
Genome position (GRCh38, 1-based): chr1:225,418,142, A>G on the plus strand (T>C on the coding strand, the complement: LBR is on the minus strand). VCF-style: chr1-225418142-A-G. GRCh37 (hg19) VCF-style: chr1-225605844-A-G.
Other names: c.679T>C, p.Phe227Leu (NM_194442.3); short protein forms F227L.
Identifiers: ClinVar variation 2804616 (VCV002804616.3), dbSNP rs1453350254, ClinGen allele CA344998805.